The following is an entry in ClinVar:

ClinVar aggregate classification (germline): Conflicting classifications of pathogenicity. Review status: criteria provided, conflicting classifications (1 of 4 stars). 6 submissions from 6 submitters: Uncertain significance (3); Likely benign (2). 1 of the submissions does not count toward it. Last evaluated 2026-01-28.

Conditions:
Inborn genetic diseases. Identifiers: MedGen C0950123, MeSH D030342.
LAMA2-related disorder. Also called: LAMA2-related disorders; LAMA2-related condition.
LAMA2-related muscular dystrophy (LAMA2-RD). Also called: Laminin alpha 2-related dystrophy. Identifiers: MedGen C5679788, MONDO:0100228.

Allele frequency attached by ClinVar (database versions not stated): gnomAD exomes 0.00010; ExAC 0.00012; ESP Exome Variant Server 0.00038; TOPMed 0.00044; gnomAD 0.00048 and 0.00052.

Submissions (6):

Labcorp Genetics (formerly Invitae), Labcorp
Classification: Likely benign for LAMA2-related muscular dystrophy. Last evaluated: 2026-01-28. Review status: criteria provided, single submitter. Criteria: Invitae Variant Classification Sherloc (09022015). Collection method: clinical testing. Allele origin: germline.

Ambry Genetics
Classification: Likely benign for Inborn genetic diseases. Last evaluated: 2024-01-02. Review status: criteria provided, single submitter. Criteria: Ambry Variant Classification Scheme 2023. Collection method: clinical testing. Allele origin: germline.

GeneDx
Classification: Uncertain significance. Last evaluated: 2020-12-31. Review status: criteria provided, single submitter. Criteria: GeneDx Variant Classification Process June 2021. Collection method: clinical testing. Allele origin: germline. Affected: yes.
Comment: In silico analysis supports that this missense variant does not alter protein structure/function; Has not been previously published as pathogenic or benign to our knowledge

Revvity Omics, Revvity
Classification: Uncertain significance. Last evaluated: 2019-03-20. Review status: criteria provided, single submitter. Criteria: ACMG Guidelines, 2015. Collection method: clinical testing. Allele origin: germline.

Eurofins Ntd Llc (ga)
Classification: Uncertain significance. Last evaluated: 2016-08-25. Review status: criteria provided, single submitter. Criteria: EGL Classification Definitions 2015. Collection method: clinical testing. Allele origin: germline. Observed: 2 variant alleles, 2 heterozygotes.

PreventionGenetics, part of Exact Sciences
Classification: Likely benign for LAMA2-related condition. Last evaluated: 2023-06-20. Review status: no assertion criteria provided. Collection method: clinical testing. Allele origin: germline. Not counted in ClinVar's aggregate classification.
Comment: This variant is classified as likely benign based on ACMG/AMP sequence variant interpretation guidelines (Richards et al. 2015 PMID: 25741868, with internal and published modifications).

NM_000426.4(LAMA2):c.3014A>G (p.Asn1005Ser)

Gene: LAMA2 (laminin subunit alpha 2; plus strand). Cytogenetic location: 6q22.33.
Variant type: single nucleotide variant.
Coding change: c.3014A>G on transcript NM_000426.4 (MANE Select); coding-DNA position 3014, A replaced by G.
Protein change: p.Asn1005Ser; replaces asparagine 1005 with serine.
Molecular consequence: missense variant.
Genome position (GRCh38, 1-based): chr6:129,297,842, A>G. VCF-style: chr6-129297842-A-G. GRCh37 (hg19) VCF-style: chr6-129618987-A-G.
Other names: c.3014A>G, p.Asn1005Ser (NM_001079823.2); short protein forms N1005S.
Identifiers: ClinVar variation 290869 (VCV000290869.22), dbSNP rs139244736, ClinGen allele CA3993129.
Genomic context (GRCh38, chr6:129,297,842, plus strand): 5'-GTTGGTGCCAACCTGGAGTCACAGGGAAGAAATGTGACCGCTGTGCCCACGGCTATTTCA[A>G]CTTCCAAGAAGGAGGCTGCACAGGTCTGTAAATATGACTTAAGTCCTACATATTCACTCT-3'
Protein context (NP_000417.3, residues 995-1015): KCDRCAHGYF[Asn1005Ser]FQEGGCTACE